The following is an entry in ClinVar:

ClinVar aggregate classification (germline): Uncertain significance. Review status: criteria provided, multiple submitters, no conflicts (2 of 4 stars). 2 submissions from 2 submitters: Uncertain significance (2). Last evaluated 2024-02-25.

Conditions:
Orofaciodigital syndrome type 6 (OFD6). Also called: OROFACIODIGITAL SYNDROME VI; OFDS VI; POLYDACTYLY, CLEFT LIP/PALATE OR LINGUAL LUMP, AND PSYCHOMOTOR RETARDATION; VARADI SYNDROME; VARADI-PAPP SYNDROME; Oral-facial-digital syndrome type 6. Identifiers: Orphanet 2754, MedGen C2745997, MONDO:0010176, OMIM 277170.
Joubert syndrome 17 (JBTS17). Identifiers: Orphanet 475, MedGen C3553264, MONDO:0013824, OMIM 614615.

Allele frequency attached by ClinVar (database versions not stated): ExAC 0.00001; TOPMed 0.00002; gnomAD 0.00003; gnomAD exomes 0.00004; ESP Exome Variant Server 0.00015.
gnomAD v4.1: 61 of 1,611,452 alleles (0.0038%); highest among the groups gnomAD compares: Non-Finnish European, 0.0048%; no homozygotes.

Submissions (2):

Fulgent Genetics
Classification: Uncertain significance for Orofaciodigital syndrome type 6; Joubert syndrome 17. Last evaluated: 2024-02-25. Review status: criteria provided, single submitter. Criteria: ACMG Guidelines, 2015. Collection method: clinical testing. Allele origin: germline.

Labcorp Genetics (formerly Invitae), Labcorp
Classification: Uncertain significance. Last evaluated: 2022-08-10. Review status: criteria provided, single submitter. Criteria: Invitae Variant Classification Sherloc (09022015). Collection method: clinical testing. Allele origin: germline.
Comment: This sequence change replaces aspartic acid, which is acidic and polar, with tyrosine, which is neutral and polar, at codon 3173 of the CPLANE1 protein (p.Asp3173Tyr). In summary, the available evidence is currently insufficient to determine the role of this variant in disease. Therefore, it has been classified as a Variant of Uncertain Significance. Advanced modeling of protein sequence and biophysical properties (such as structural, functional, and spatial information, amino acid conservation, physicochemical variation, residue mobility, and thermodynamic stability) performed at Invitae indicates that this missense variant is expected to disrupt CPLANE1 protein function. This variant has not been reported in the literature in individuals affected with CPLANE1-related conditions. This variant is present in population databases (rs374776325, gnomAD 0.003%).

NM_001384732.1(CPLANE1):c.9679G>T (p.Asp3227Tyr)

Gene: CPLANE1 (ciliogenesis and planar polarity effector complex subunit 1; minus strand). Cytogenetic location: 5p13.2.
Variant type: single nucleotide variant.
Coding change: c.9679G>T on transcript NM_001384732.1 (MANE Select); coding-DNA position 9679, G replaced by T.
Protein change: p.Asp3227Tyr; replaces aspartic acid 3227 with tyrosine.
Molecular consequence: missense variant.
Genome position (GRCh38, 1-based): chr5:37,107,679, C>A on the plus strand (G>T on the coding strand, the complement: CPLANE1 is on the minus strand). VCF-style: chr5-37107679-C-A. GRCh37 (hg19) VCF-style: chr5-37107781-C-A.
Other names: c.9517G>T (NM_023073.3); c.9517G>T, p.Asp3173Tyr (NM_023073.4); short protein forms D3227Y, D3173Y.
Identifiers: ClinVar variation 2140999 (VCV002140999.3), dbSNP rs374776325, ClinGen allele CA3237399.
Genomic context (GRCh38, chr5:37,107,679, plus strand): 5'-AGTGGACAGACAGGCCCTGGTCCTCCACGCTGGCCACCATGTCTTCGATGGCATTCCAGT[C>A]CAGCTTGCTGAGGATGCTGCCAGTGCTCTCAGACACGCTGTCCACACCGCCCACCCCAAA-3'
Protein context (NP_001371661.1, residues 3217-3237): ESTGSILSKL[Asp3227Tyr]WNAIEDMVAS